The following is an entry in ClinVar:

ClinVar aggregate classification (germline): Likely benign (1 of 4 stars; one submission).

Conditions:
FBXO38-related disorder. Also called: FBXO38-related condition.

gnomAD v4.1: 9 of 1,542,818 alleles (0.00058%); highest among the groups gnomAD compares: Admixed American, 0.016%; no homozygotes.

Submission:

PreventionGenetics, part of Exact Sciences
Classification: Likely benign for FBXO38-related condition. Last evaluated: 2025-03-24. Review status: criteria provided, single submitter. Criteria: ACMG Guidelines, 2015. Collection method: clinical testing. Allele origin: germline.
Comment: This variant is classified as likely benign based on ACMG/AMP sequence variant interpretation guidelines (Richards et al. 2015 PMID: 25741868, with internal and published modifications).

NM_205836.3(FBXO38):c.2601C>A (p.Pro867=)

Gene: FBXO38 (F-box protein 38; plus strand). Cytogenetic location: 5q32.
Variant type: single nucleotide variant.
Coding change: c.2601C>A on transcript NM_205836.3 (MANE Select); coding-DNA position 2601, C replaced by A.
Protein change: p.Pro867=; no amino-acid change (proline 867 retained).
Molecular consequence: synonymous variant. On other transcripts: intron variant (2).
Genome position (GRCh38, 1-based): chr5:148,427,895, C>A. VCF-style: chr5-148427895-C-A. GRCh37 (hg19) VCF-style: chr5-147807458-C-A.
Other names: c.2428+173C>A (NM_030793.5); c.1918+2194C>A (NM_001271723.2).
Identifiers: ClinVar variation 4977876 (VCV004977876.1).